The following is an entry in ClinVar:

ClinVar aggregate classification (germline): Pathogenic (1 of 4 stars; one submission).

Submission:

Labcorp Genetics (formerly Invitae), Labcorp
Classification: Pathogenic. Last evaluated: 2024-03-16. Review status: criteria provided, single submitter. Criteria: Invitae Variant Classification Sherloc (09022015). Collection method: clinical testing. Allele origin: germline.
Comment: This sequence change creates a premature translational stop signal (p.Lys470Asnfs*16) in the MYO15A gene. It is expected to result in an absent or disrupted protein product. Loss-of-function variants in MYO15A are known to be pathogenic (PMID: 17546645). This variant is not present in population databases (gnomAD no frequency). This variant has not been reported in the literature in individuals affected with MYO15A-related conditions. For these reasons, this variant has been classified as Pathogenic.

Literature cited by the submitters: PubMed 17546645.

NM_016239.4(MYO15A):c.1410del (p.Lys470fs)

Gene: MYO15A (myosin XVA; plus strand). Cytogenetic location: 17p11.2.
Variant type: Deletion.
Coding change: c.1410del on transcript NM_016239.4 (MANE Select); coding-DNA position 1410, one base deleted (G; older notation c.1410delG).
Protein change: p.Lys470fs; shifts the reading frame from lysine 470.
Molecular consequence: frameshift variant.
Genome position (GRCh38, 1-based): chr17:18,120,210, G deleted. VCF-style (leftmost placement, unchanged base first): chr17-18120209-AG-A. GRCh37 (hg19) VCF-style: chr17-18023523-AG-A.
Other names: short protein forms K470fs.
Identifiers: ClinVar variation 3646360 (VCV003646360.2).
Genomic context (GRCh38, chr17:18,120,209, plus strand): 5'-TCCGCCTGCCCAGCGCCGCCTTCTTCGAGCAGCAAGGCATGGATAAGCCCGCCAGGTCCA[AG>A]CTGTCCCTCATCCGCAAGTTCCGCCTCTTCCCGCGACCCCAGGTGAAGCTGTTTGGGAAG-3'